The following is an entry in ClinVar:

NM_153603.4(COG7):c.1135C>G (p.Leu379Val)

Gene: COG7 (component of oligomeric golgi complex 7; minus strand). Cytogenetic location: 16p12.2.
Variant type: single nucleotide variant.
Coding change: c.1135C>G on transcript NM_153603.4 (MANE Select); coding-DNA position 1135, C replaced by G.
Protein change: p.Leu379Val; replaces leucine 379 with valine.
Molecular consequence: missense variant.
Genome position (GRCh38, 1-based): chr16:23,418,702, G>C on the plus strand (C>G on the coding strand, the complement: COG7 is on the minus strand). VCF-style: chr16-23418702-G-C. GRCh37 (hg19) VCF-style: chr16-23430023-G-C.
Other names: short protein forms L379V.
Identifiers: ClinVar variation 235769 (VCV000235769.3), dbSNP rs878853109, ClinGen allele CA10581424.
Genomic context (GRCh38, chr16:23,418,702, plus strand): 5'-GCCAAGACCCTGGCTAACAGAATGCTTCCTCAGTGGCCCCAGGACACTGCGACTTTACCA[G>C]AGGCACAGCACTCATCTGGATGAGGAGGTTGCTCTCTTCCATGTCGCCATACTTCAGCTG-3'
Protein context (NP_705831.1, residues 369-389): NLLIQMSAVP[Leu379Val]EHGEVIDCVQ

ClinVar aggregate classification (germline): Uncertain significance (1 of 4 stars; one submission).

Allele frequency attached by ClinVar (database versions not stated): gnomAD exomes below 0.00001; TOPMed below 0.00001; gnomAD 0.00001.
gnomAD v4.1: 2 of 1,613,424 alleles (0.00012%); highest among the groups gnomAD compares: African/African-American, 0.0027%; no homozygotes.

Submission:

Center for Pediatric Genomic Medicine, Children's Mercy Hospital and Clinics
Classification: Uncertain significance. Last evaluated: 2016-01-11. Review status: criteria provided, single submitter. Criteria: ACMG Guidelines, 2015. Collection method: clinical testing. Allele origin: germline.
ClinVar note: Converted during submission from Uncertain Significance to Uncertain significance.